The following is an entry in ClinVar:

ClinVar aggregate classification (germline): Benign/Likely benign. Review status: criteria provided, single submitter (1 of 4 stars). 5 submissions from 1 submitter: Benign (2); Likely benign (3). Last evaluated 2018-01-12.

Conditions:
Brachydactyly. Also called: Brachydactyly syndrome; Brachydactyly (disease). Identifiers: MedGen C0221357, MONDO:0021004, HP:0001156.
Multiple synostoses syndrome 2 (SYNS2). Identifiers: Orphanet 3237, MedGen C1832708, MONDO:0012394, OMIM 610017.
Acromesomelic dysplasia 2B. Also called: DU PAN SYNDROME. Identifiers: Orphanet 2639, MedGen C1856738, MONDO:0009231, OMIM 228900.
Grebe syndrome. Also called: ACROMESOMELIC DYSPLASIA, GREBE TYPE; GREBE DYSPLASIA; ACROMESOMELIC DYSPLASIA 2A. Identifiers: Orphanet 2098, MedGen C0265260, MONDO:0008703, OMIM 200700.
Acromesomelic dysplasia 2C, Hunter-Thompson type. Also called: Acromesomelic dysplasia, Hunter-Thompson type. Identifiers: Orphanet 968, MedGen C2930970, MONDO:0008717, OMIM 201250.

Allele frequency attached by ClinVar (database versions not stated): gnomAD 0.00004 and 0.00006; gnomAD exomes 0.00005; TOPMed 0.00006; 1000 Genomes Project 30x 0.00047; 1000 Genomes Project 0.00060.
gnomAD v4.1: 22 of 348,776 alleles (0.0063%); highest among the groups gnomAD compares: East Asian, 0.13%; no homozygotes.

Submissions (5):

Illumina Laboratory Services, Illumina
Classification: Benign for Multiple synostoses syndrome 2. Last evaluated: 2018-01-12. Review status: criteria provided, single submitter. Criteria: ICSL Variant Classification Criteria 13 December 2019. Collection method: clinical testing. Allele origin: germline.
Comment: This variant was observed in the ICSL laboratory as part of a predisposition screen in an ostensibly healthy population. It had not been previously curated by ICSL or reported in the Human Gene Mutation Database (HGMD: prior to June 1st, 2018), and was therefore a candidate for classification through an automated scoring system. Utilizing variant allele frequency, disease prevalence and penetrance estimates, and inheritance mode, an automated score was calculated to assess if this variant is too frequent to cause the disease. Based on the score and internal cut-off values, a variant classified as benign is not then subjected to further curation. The score for this variant resulted in a classification of benign for this disease.

Illumina Laboratory Services, Illumina
Classification: Benign for Brachydactyly. Last evaluated: 2018-01-12. Review status: criteria provided, single submitter. Criteria: ICSL Variant Classification Criteria 13 December 2019. Collection method: clinical testing. Allele origin: germline.
Comment: the same text as in the submission from Illumina Laboratory Services, Illumina above.

Illumina Laboratory Services, Illumina
Classification: Likely benign for Fibular hypoplasia and complex brachydactyly. Last evaluated: 2018-01-12. Review status: criteria provided, single submitter. Criteria: ICSL Variant Classification Criteria 13 December 2019. Collection method: clinical testing. Allele origin: germline.
Comment: This variant was observed in the ICSL laboratory as part of a predisposition screen in an ostensibly healthy population. It had not been previously curated by ICSL or reported in the Human Gene Mutation Database (HGMD: prior to June 1st, 2018), and was therefore a candidate for classification through an automated scoring system. Utilizing variant allele frequency, disease prevalence and penetrance estimates, and inheritance mode, an automated score was calculated to assess if this variant is too frequent to cause the disease. Based on the score and internal cut-off values, a variant classified as likely benign is not then subjected to further curation. The score for this variant resulted in a classification of likely benign for this disease.

Illumina Laboratory Services, Illumina
Classification: Likely benign for Acromesomelic dysplasia 2C, Hunter-Thompson type. Last evaluated: 2018-01-12. Review status: criteria provided, single submitter. Criteria: ICSL Variant Classification Criteria 13 December 2019. Collection method: clinical testing. Allele origin: germline.
Comment: the same text as in the submission from Illumina Laboratory Services, Illumina above.

Illumina Laboratory Services, Illumina
Classification: Likely benign for Grebe syndrome. Last evaluated: 2018-01-12. Review status: criteria provided, single submitter. Criteria: ICSL Variant Classification Criteria 13 December 2019. Collection method: clinical testing. Allele origin: germline.
Comment: the same text as in the submission from Illumina Laboratory Services, Illumina above.

NM_000557.5(GDF5):c.*389C>T

Genes: GDF5-AS1 (GDF5 antisense RNA 1; plus strand), GDF5 (growth differentiation factor 5; minus strand). Cytogenetic location: 20q11.22.
Variant type: single nucleotide variant.
Coding change: c.*389C>T on transcript NM_000557.5 (MANE Select); 389 bases downstream of the stop codon, C replaced by T.
Molecular consequence: 3 prime UTR variant.
Genome position (GRCh38, 1-based): chr20:35,433,520, G>A on the plus strand (C>T on the coding strand, the complement: GDF5 is on the minus strand). VCF-style: chr20-35433520-G-A. GRCh37 (hg19) VCF-style: chr20-34021318-G-A.
Other names: c.*389C>T (NM_001319138.2).
Identifiers: ClinVar variation 338311 (VCV000338311.5), dbSNP rs535023630, ClinGen allele CA10653093.